The following is an entry in ClinVar:

ClinVar aggregate classification (germline): Uncertain significance (1 of 4 stars; one submission).

Conditions:
Glutathione synthetase deficiency with 5-oxoprolinuria. Also called: PYROGLUTAMIC ACIDURIA; 5-Oxoprolinuria; 5-OXOPROLINURIA DUE TO GLUTATHIONE SYNTHETASE DEFICIENCY; Reduced glutathione synthetase level; Gluthathione synthetase deficiency. Identifiers: Orphanet 289846, MedGen C0398746, MONDO:0009947, OMIM 266130, HP:0003343.

Allele frequency attached by ClinVar (database versions not stated): 1000 Genomes Project 30x 0.00016; 1000 Genomes Project 0.00020.
gnomAD v4.1: 1 of 1,612,064 alleles (0.000062%); highest among the groups gnomAD compares: East Asian, 0.0022%; no homozygotes.

Submission:

Labcorp Genetics (formerly Invitae), Labcorp
Classification: Uncertain significance for Glutathione synthetase deficiency with 5-oxoprolinuria. Last evaluated: 2022-05-25. Review status: criteria provided, single submitter. Criteria: Invitae Variant Classification Sherloc (09022015). Collection method: clinical testing. Allele origin: germline.
Comment: In summary, the available evidence is currently insufficient to determine the role of this variant in disease. Therefore, it has been classified as a Variant of Uncertain Significance. Algorithms developed to predict the effect of missense changes on protein structure and function output the following: SIFT: "Tolerated"; PolyPhen-2: "Benign"; Align-GVGD: "Class C0". The glutamine amino acid residue is found in multiple mammalian species, which suggests that this missense change does not adversely affect protein function. This variant has not been reported in the literature in individuals affected with GSS-related conditions. This variant is not present in population databases (gnomAD no frequency). This sequence change replaces lysine, which is basic and polar, with glutamine, which is neutral and polar, at codon 186 of the GSS protein (p.Lys186Gln).

NM_000178.4(GSS):c.556A>C (p.Lys186Gln)

Gene: GSS (glutathione synthetase; minus strand). Cytogenetic location: 20q11.22.
Variant type: single nucleotide variant.
Coding change: c.556A>C on transcript NM_000178.4 (MANE Select); coding-DNA position 556, A replaced by C.
Protein change: p.Lys186Gln; replaces lysine 186 with glutamine.
Molecular consequence: missense variant.
Genome position (GRCh38, 1-based): chr20:34,941,765, T>G on the plus strand (A>C on the coding strand, the complement: GSS is on the minus strand). VCF-style: chr20-34941765-T-G. GRCh37 (hg19) VCF-style: chr20-33529568-T-G.
Other names: c.556A>C, p.Lys186Gln (NM_001322494.1, NM_001322495.1); short protein forms K186Q.
Identifiers: ClinVar variation 1998639 (VCV001998639.4), dbSNP rs568346076, ClinGen allele CA313483840.
Genomic context (GRCh38, chr20:34,941,765, plus strand): 5'-ACCCTTACTTGGGTGAGCCGTAGAGCTCCCAGGCTTTGGCAATTCCCAGGGCCAGTCCCT[T>G]GCTGGGATTATTAGAGAGGATCTTGCCAGCTTCTTTGGTCTTACTCAGGACACTGAGAAC-3'
Protein context (NP_000169.1, residues 176-196): AGKILSNNPS[Lys186Gln]GLALGIAKAW